The following is an entry in ClinVar:

ClinVar aggregate classification (germline): Uncertain significance (1 of 4 stars; one submission).

Submission:

ARUP Laboratories, Molecular Genetics and Genomics, ARUP Laboratories
Classification: Uncertain significance. Last evaluated: 2024-11-19. Review status: criteria provided, single submitter. Criteria: ARUP Molecular Germline Variant Investigation Process 2024. Collection method: clinical testing. Allele origin: germline.
Comment: The Hb Galliera I variant (HBA1: c.19G>C; p.Asp7His, also known as Asp6His when numbered from the mature protein; rs33961916) has been reported in a heterozygous state in individuals with no clinical symptoms (HbVar database). However, the phenotype of this variant in the presence of pathogenic globin variants is unknown. This variant is absent from the Genome Aggregation Database (v2.1.1), indicating it is not a common polymorphism. Computational analyses predict that this variant is deleterious (REVEL: 0.768). Due to limited information, the clinical significance of the Hb Galliera I variant is uncertain at this time. References: Link to HbVar database for Hb Galliera I

NM_000558.5(HBA1):c.19G>C (p.Asp7His)

Genes: HBA1 (hemoglobin subunit alpha 1; plus strand), LOC106804613 (hemoglobin subunit alpha 1 recombination region; plus strand). Cytogenetic location: 16p13.3.
Variant type: single nucleotide variant.
Coding change: c.19G>C on transcript NM_000558.5 (MANE Select); coding-DNA position 19, G replaced by C.
Protein change: p.Asp7His; replaces aspartic acid 7 with histidine.
Molecular consequence: missense variant.
Genome position (GRCh38, 1-based): chr16:176,735, G>C. VCF-style: chr16-176735-G-C. GRCh37 (hg19) VCF-style: chr16-226734-G-C.
Other names: short protein forms D7H.
Identifiers: ClinVar variation 993656 (VCV000993656.9), dbSNP rs33961916, ClinGen allele CA276416417.